The following is an entry in ClinVar:

ClinVar aggregate classification (germline): Benign (0 of 4 stars; one submission).

Conditions:
LEO1-related disorder. Also called: LEO1-related condition.

Allele frequency attached by ClinVar (database versions not stated): gnomAD 0.00557; ExAC 0.00777; 1000 Genomes Project 30x 0.00812; 1000 Genomes Project 0.00859; gnomAD exomes 0.00286; TOPMed 0.00504; ESP Exome Variant Server 0.00062.
gnomAD v4.1: 5,017 of 1,608,100 alleles (0.31%); highest among the groups gnomAD compares: East Asian, 2.6%; 53 homozygotes.

Submissions (27):

PreventionGenetics, part of Exact Sciences
Classification: Benign for LEO1-related condition. Last evaluated: 2020-01-14. Review status: no assertion criteria provided. Collection method: clinical testing. Allele origin: germline.
Comment: This variant is classified as benign based on ACMG/AMP sequence variant interpretation guidelines (Richards et al. 2015 PMID: 25741868, with internal and published modifications).

Dr. Peter K. Rogan Lab, Western University
No classification provided (evidence only). Condition: Familial cancer of breast. Review status: no classification provided. Collection method: in vitro. Allele origin: not applicable. Functional consequence: retained intron. Not counted in ClinVar's aggregate classification.

Dr. Peter K. Rogan Lab, Western University
No classification provided (evidence only). Condition: Thyroid cancer, nonmedullary, 1. Review status: no classification provided. Collection method: in vitro. Allele origin: not applicable. Functional consequence: retained intron. Not counted in ClinVar's aggregate classification.

Dr. Peter K. Rogan Lab, Western University
No classification provided (evidence only). Condition: Thyroid cancer, nonmedullary, 1. Review status: no classification provided. Collection method: in vitro. Allele origin: not applicable. Functional consequence: retained intron. Not counted in ClinVar's aggregate classification.

Dr. Peter K. Rogan Lab, Western University
No classification provided (evidence only). Condition: Thyroid cancer, nonmedullary, 1. Review status: no classification provided. Collection method: in vitro. Allele origin: not applicable. Functional consequence: retained intron. Not counted in ClinVar's aggregate classification.

Dr. Peter K. Rogan Lab, Western University
No classification provided (evidence only). Condition: Cervical cancer. Review status: no classification provided. Collection method: in vitro. Allele origin: not applicable. Functional consequence: retained intron. Not counted in ClinVar's aggregate classification.

Dr. Peter K. Rogan Lab, Western University
No classification provided (evidence only). Condition: Cervical cancer. Review status: no classification provided. Collection method: in vitro. Allele origin: not applicable. Functional consequence: retained intron. Not counted in ClinVar's aggregate classification.

Dr. Peter K. Rogan Lab, Western University
No classification provided (evidence only). Condition: Cervical cancer. Review status: no classification provided. Collection method: in vitro. Allele origin: not applicable. Functional consequence: retained intron. Not counted in ClinVar's aggregate classification.

Dr. Peter K. Rogan Lab, Western University
No classification provided (evidence only). Condition: Sarcoma. Review status: no classification provided. Collection method: in vitro. Allele origin: not applicable. Functional consequence: retained intron. Not counted in ClinVar's aggregate classification.

Dr. Peter K. Rogan Lab, Western University
No classification provided (evidence only). Condition: Sarcoma. Review status: no classification provided. Collection method: in vitro. Allele origin: not applicable. Functional consequence: retained intron. Not counted in ClinVar's aggregate classification.

Dr. Peter K. Rogan Lab, Western University
No classification provided (evidence only). Condition: Malignant lymphoma, large B-cell, diffuse. Review status: no classification provided. Collection method: in vitro. Allele origin: not applicable. Functional consequence: retained intron. Not counted in ClinVar's aggregate classification.

Dr. Peter K. Rogan Lab, Western University
No classification provided (evidence only). Condition: Hepatocellular carcinoma. Review status: no classification provided. Collection method: in vitro. Allele origin: not applicable. Functional consequence: retained intron. Not counted in ClinVar's aggregate classification.

Dr. Peter K. Rogan Lab, Western University
No classification provided (evidence only). Condition: Hepatocellular carcinoma. Review status: no classification provided. Collection method: in vitro. Allele origin: not applicable. Functional consequence: retained intron. Not counted in ClinVar's aggregate classification.

Dr. Peter K. Rogan Lab, Western University
No classification provided (evidence only). Condition: Hepatocellular carcinoma. Review status: no classification provided. Collection method: in vitro. Allele origin: not applicable. Functional consequence: retained intron. Not counted in ClinVar's aggregate classification.

Dr. Peter K. Rogan Lab, Western University
No classification provided (evidence only). Condition: Hepatocellular carcinoma. Review status: no classification provided. Collection method: in vitro. Allele origin: not applicable. Functional consequence: retained intron. Not counted in ClinVar's aggregate classification.

Dr. Peter K. Rogan Lab, Western University
No classification provided (evidence only). Condition: Hepatocellular carcinoma. Review status: no classification provided. Collection method: in vitro. Allele origin: not applicable. Functional consequence: retained intron. Not counted in ClinVar's aggregate classification.

Dr. Peter K. Rogan Lab, Western University
No classification provided (evidence only). Condition: Hepatocellular carcinoma. Review status: no classification provided. Collection method: in vitro. Allele origin: not applicable. Functional consequence: retained intron. Not counted in ClinVar's aggregate classification.

Dr. Peter K. Rogan Lab, Western University
No classification provided (evidence only). Condition: Thymoma. Review status: no classification provided. Collection method: in vitro. Allele origin: not applicable. Functional consequence: retained intron. Not counted in ClinVar's aggregate classification.

Dr. Peter K. Rogan Lab, Western University
No classification provided (evidence only). Condition: Ovarian serous cystadenocarcinoma. Review status: no classification provided. Collection method: in vitro. Allele origin: not applicable. Functional consequence: retained intron. Not counted in ClinVar's aggregate classification.

Dr. Peter K. Rogan Lab, Western University
No classification provided (evidence only). Condition: Gastric cancer. Review status: no classification provided. Collection method: in vitro. Allele origin: not applicable. Functional consequence: retained intron. Not counted in ClinVar's aggregate classification.

Dr. Peter K. Rogan Lab, Western University
No classification provided (evidence only). Condition: Gastric cancer. Review status: no classification provided. Collection method: in vitro. Allele origin: not applicable. Functional consequence: retained intron. Not counted in ClinVar's aggregate classification.

Dr. Peter K. Rogan Lab, Western University
No classification provided (evidence only). Condition: Gastric cancer. Review status: no classification provided. Collection method: in vitro. Allele origin: not applicable. Functional consequence: retained intron. Not counted in ClinVar's aggregate classification.

Dr. Peter K. Rogan Lab, Western University
No classification provided (evidence only). Condition: Gastric cancer. Review status: no classification provided. Collection method: in vitro. Allele origin: not applicable. Functional consequence: retained intron. Not counted in ClinVar's aggregate classification.

Dr. Peter K. Rogan Lab, Western University
No classification provided (evidence only). Condition: Gastric cancer. Review status: no classification provided. Collection method: in vitro. Allele origin: not applicable. Functional consequence: retained intron. Not counted in ClinVar's aggregate classification.

Dr. Peter K. Rogan Lab, Western University
No classification provided (evidence only). Condition: Gastric cancer. Review status: no classification provided. Collection method: in vitro. Allele origin: not applicable. Functional consequence: retained intron. Not counted in ClinVar's aggregate classification.

Dr. Peter K. Rogan Lab, Western University
No classification provided (evidence only). Condition: Gastric cancer. Review status: no classification provided. Collection method: in vitro. Allele origin: not applicable. Functional consequence: retained intron. Not counted in ClinVar's aggregate classification.

Dr. Peter K. Rogan Lab, Western University
No classification provided (evidence only). Condition: Malignant tumor of esophagus. Review status: no classification provided. Collection method: in vitro. Allele origin: not applicable. Functional consequence: retained intron. Not counted in ClinVar's aggregate classification.

NM_138792.4(LEO1):c.823A>G (p.Arg275Gly)

Gene: LEO1 (LEO1 component of Paf1/RNA polymerase II complex; minus strand). Cytogenetic location: 15q21.2.
Variant type: single nucleotide variant.
Coding change: c.823A>G on transcript NM_138792.4 (MANE Select); coding-DNA position 823, A replaced by G.
Protein change: p.Arg275Gly; replaces arginine 275 with glycine.
Molecular consequence: missense variant.
Genome position (GRCh38, 1-based): chr15:51,962,485, T>C on the plus strand (A>G on the coding strand, the complement: LEO1 is on the minus strand). VCF-style: chr15-51962485-T-C. GRCh37 (hg19) VCF-style: chr15-52254682-T-C.
Other names: NC_000015.9:g.52254682T>C; c.823A>G, p.Arg275Gly (NM_001286430.2, NM_001323903.2, NM_001323904.2 and 2 more transcripts); short protein forms R275G.
Identifiers: ClinVar variation 3060993 (VCV003060993.3), dbSNP rs116808659, ClinGen allele CA7564611.